The following is an entry in ClinVar:

NM_014141.6(CNTNAP2):c.3476-15_3476-12dup

Gene: CNTNAP2 (contactin associated protein 2; plus strand). Cytogenetic location: 7q36.1.
Variant type: Duplication.
Coding change: c.3476-15_3476-12dup on transcript NM_014141.6 (MANE Select); 15 bases into the intron before coding-DNA position 3476 through 12 bases into the intron before coding-DNA position 3476, 4 bases duplicated (CTTT; older notation c.3476-15_3476-12dupCTTT).
Molecular consequence: intron variant.
Genome position (GRCh38, 1-based): chr7:148,383,634-148,383,637, CTTT duplicated; duplicating any 4 consecutive bases within chr7:148,383,631-148,383,637 gives the same sequence; the c. name uses the placement nearest the transcript's 3' end. VCF-style (leftmost placement, unchanged base first): chr7-148383630-A-ATTTC. GRCh37 (hg19) VCF-style: chr7-148080722-A-ATTTC.
Other names: c.3476-15_3476-12dupCTTT (NM_014141.5).
Identifiers: ClinVar variation 508724 (VCV000508724.4), dbSNP rs1554427506, ClinGen allele CA658797024.

ClinVar aggregate classification (germline): Likely benign. Review status: criteria provided, multiple submitters, no conflicts (2 of 4 stars). 2 submissions from 2 submitters: Likely benign (2). Last evaluated 2023-09-15.

Conditions:
Cortical dysplasia-focal epilepsy syndrome (PTHSL1). Also called: Pitt-Hopkins-like syndrome 1. Identifiers: Orphanet 163681, Orphanet 221150, MedGen C2750246, MONDO:0012400, OMIM 610042.

Submissions (2):

Labcorp Genetics (formerly Invitae), Labcorp
Classification: Likely benign for Cortical dysplasia-focal epilepsy syndrome. Last evaluated: 2023-09-15. Review status: criteria provided, single submitter. Criteria: Invitae Variant Classification Sherloc (09022015). Collection method: clinical testing. Allele origin: germline.

GeneDx
Classification: Likely benign. Last evaluated: 2017-04-07. Review status: criteria provided, single submitter. Criteria: GeneDx Variant Classification (06012015). Collection method: clinical testing. Allele origin: germline. Affected: yes.
Comment: This variant is considered likely benign or benign based on one or more of the following criteria: it is a conservative change, it occurs at a poorly conserved position in the protein, it is predicted to be benign by multiple in silico algorithms, and/or has population frequency not consistent with disease.